The following is an entry in ClinVar:

ClinVar aggregate classification (germline): Benign/Likely benign. Review status: criteria provided, multiple submitters, no conflicts (2 of 4 stars). 5 submissions from 5 submitters: Benign (1); Likely benign (4). Last evaluated 2025-05-29.

Conditions:
Hereditary cancer-predisposing syndrome. Also called: Neoplastic Syndromes, Hereditary; Hereditary Cancer Syndrome; Tumor predisposition; Hereditary neoplastic syndrome. Identifiers: Orphanet 140162, MedGen C0027672, MeSH D009386, MONDO:0015356.
Familial cancer of breast. Also called: Hereditary breast cancer; BREAST CANCER, FAMILIAL; hereditary breast carcinoma. Identifiers: Orphanet 227535, MedGen C0346153, MONDO:0016419, OMIM 114480. Disease mechanism: loss of function.
Ataxia-telangiectasia syndrome (AT). Also called: LOUIS-BAR SYNDROME; Cerebello-oculocutaneous telangiectasia; Immunodeficiency with ataxia telangiectasia; Ataxia-telangiectasia, complementation group D; AT, COMPLEMENTATION GROUP C; Ataxia-telangiectasia, complementation group E. Identifiers: Orphanet 100, MedGen C0004135, MONDO:0008840, OMIM 208900.

Allele frequency attached by ClinVar (database versions not stated): gnomAD exomes below 0.00001.
gnomAD v4.1: 1 of 1,612,722 alleles (0.000062%); highest among the groups gnomAD compares: East Asian, 0.0022%; no homozygotes.

Submissions (5):

Labcorp Genetics (formerly Invitae), Labcorp
Classification: Likely benign for Ataxia-telangiectasia syndrome. Last evaluated: 2025-05-29. Review status: criteria provided, single submitter. Criteria: Invitae Variant Classification Sherloc (09022015). Collection method: clinical testing. Allele origin: germline.

Myriad Genetics, Inc.
Classification: Benign for Familial cancer of breast. Last evaluated: 2024-06-05. Review status: criteria provided, single submitter. Criteria: Myriad Autosomal Dominant, Autosomal Recessive and X-Linked Classification Criteria (2023). Collection method: clinical testing. Allele origin: unknown.
Comment: This variant is considered benign. This variant is a silent/synonymous amino acid change and it is not expected to impact splicing.

Ambry Genetics
Classification: Likely benign for Hereditary cancer-predisposing syndrome. Last evaluated: 2022-02-21. Review status: criteria provided, single submitter. Criteria: Ambry Variant Classification Scheme 2023. Collection method: clinical testing. Allele origin: germline.

GeneDx
Classification: Likely benign. Last evaluated: 2021-10-27. Review status: criteria provided, single submitter. Criteria: GeneDx Variant Classification Process June 2021. Collection method: clinical testing. Allele origin: germline. Affected: yes.

Color Diagnostics, LLC DBA Color Health
Classification: Likely benign for Hereditary cancer-predisposing syndrome. Last evaluated: 2017-03-23. Review status: criteria provided, single submitter. Criteria: ACMG Guidelines, 2015. Collection method: clinical testing. Allele origin: germline.

NM_000051.4(ATM):c.6285A>G (p.Leu2095=)

Genes: ATM (ATM serine/threonine kinase; plus strand), C11orf65 (chromosome 11 open reading frame 65; minus strand). Cytogenetic location: 11q22.3.
Variant type: single nucleotide variant.
Coding change: c.6285A>G on transcript NM_000051.4 (MANE Select); coding-DNA position 6285, A replaced by G.
Protein change: p.Leu2095=; no amino-acid change (leucine 2095 retained).
Molecular consequence: synonymous variant. On other transcripts: intron variant (2).
Genome position (GRCh38, 1-based): chr11:108,317,459, A>G. VCF-style: chr11-108317459-A-G. GRCh37 (hg19) VCF-style: chr11-108188186-A-G.
Other names: c.6285A>G, p.Leu2095= (NM_001351834.2); c.641-8388T>C (NM_001330368.2); c.*39-8388T>C (NM_001351110.2).
Identifiers: ClinVar variation 490647 (VCV000490647.16), dbSNP rs1555114732, ClinGen allele CA476675994.
Genomic context (GRCh38, chr11:108,317,459, plus strand): 5'-TATTCTTTCCGTCTATTTAAAAGGATTGGATTATGAAAATAAAGACTGGTGTCCTGAACT[A>G]GAAGAACTTCATTACCAAGCAGCATGGAGGAATATGCAGTGGGACCATTGCACTTCCGTC-3'
Protein context (NP_000042.3, residues 2085-2105): DYENKDWCPE[Leu2095=]EELHYQAAWR